The following is an entry in ClinVar:

ClinVar aggregate classification (germline): Pathogenic (1 of 4 stars; one submission).

Conditions:
Leber congenital amaurosis 8 (LCA8). Identifiers: Orphanet 65, MedGen C3151202, MONDO:0013453, OMIM 613835.
Retinitis pigmentosa 12 (RP12). Also called: RP WITH OR WITHOUT PRESERVED PARAARTERIOLE RETINAL PIGMENT EPITHELIUM; RETINITIS PIGMENTOSA WITH OR WITHOUT PARAARTERIOLAR PRESERVATION OF RETINAL PIGMENT EPITHELIUM; RP WITH OR WITHOUT PPRPE. Identifiers: Orphanet 791, MedGen C1838647, MONDO:0010818, OMIM 600105.

Submission:

Labcorp Genetics (formerly Invitae), Labcorp
Classification: Pathogenic for Leber congenital amaurosis 8; Retinitis pigmentosa 12. Last evaluated: 2022-05-16. Review status: criteria provided, single submitter. Criteria: Invitae Variant Classification Sherloc (09022015). Collection method: clinical testing. Allele origin: germline.
Comment: For these reasons, this variant has been classified as Pathogenic. ClinVar contains an entry for this variant (Variation ID: 801589). This premature translational stop signal has been observed in individual(s) with early-onset retinal dystrophy (PMID: 28819299). This variant is not present in population databases (gnomAD no frequency). This sequence change creates a premature translational stop signal (p.Arg92Serfs*54) in the CRB1 gene. It is expected to result in an absent or disrupted protein product. Loss-of-function variants in CRB1 are known to be pathogenic (PMID: 10508521, 22065545, 23379534, 25412400, 26957898, 28041643, 29391521).

Literature cited by the submitters: PubMed 28819299; PubMed 10508521; PubMed 22065545; PubMed 23379534; PubMed 25412400; PubMed 26957898; PubMed 28041643; PubMed 29391521.

NM_201253.3(CRB1):c.276_294delinsTGAACACTGTAC (p.Arg92fs)

Gene: CRB1 (crumbs cell polarity complex component 1; plus strand). Cytogenetic location: 1q31.3.
Variant type: Indel.
Coding change: c.276_294delinsTGAACACTGTAC on transcript NM_201253.3 (MANE Select); coding-DNA positions 276 to 294, GAGCTTTCTGTGCAAATGT replaced by TGAACACTGTAC.
Protein change: p.Arg92fs; shifts the reading frame from arginine 92.
Molecular consequence: frameshift variant. On other transcripts: non-coding transcript variant (2).
Genome position (GRCh38, 1-based): chr1:197,328,627-197,328,645, GAGCTTTCTGTGCAAATGT replaced by TGAACACTGTAC. VCF-style: chr1-197328627-GAGCTTTCTGTGCAAATGT-TGAACACTGTAC. GRCh37 (hg19) VCF-style: chr1-197297757-GAGCTTTCTGTGCAAATGT-TGAACACTGTAC.
Other names: c.276_294delinsTGAACACTGTAC, p.Arg92fs (NM_001193640.2, NM_001257966.2); c.69_87delinsTGAACACTGTAC, p.Arg23fs (NM_001257965.2); short protein forms R23fs, R92fs.
Identifiers: ClinVar variation 2101533 (VCV002101533.4), dbSNP rs2465027395, ClinGen allele CA2580061812.